The following is an entry in ClinVar:

ClinVar aggregate classification (germline): Uncertain significance. Review status: criteria provided, multiple submitters, no conflicts (2 of 4 stars). 2 submissions from 2 submitters: Uncertain significance (2). Last evaluated 2025-12-05.

Conditions:
Hereditary cancer-predisposing syndrome. Also called: Neoplastic Syndromes, Hereditary; Hereditary Cancer Syndrome; Tumor predisposition; Hereditary neoplastic syndrome. Identifiers: Orphanet 140162, MedGen C0027672, MeSH D009386, MONDO:0015356.

Submissions (2):

Ambry Genetics
Classification: Uncertain significance for Hereditary cancer-predisposing syndrome. Last evaluated: 2025-12-05. Review status: criteria provided, single submitter. Criteria: Ambry Variant Classification Scheme 2023. Collection method: clinical testing. Allele origin: germline.
Comment: The c.2704delG variant, located in coding exon 17 of the CTNNA1 gene, results from a deletion of one nucleotide at nucleotide position 2704, causing a translational frameshift with a predicted alternate stop codon (p.A902Lfs*29). This alteration occurs at the 3' terminus of the gene, is not expected to trigger nonsense-mediated mRNAdecay and results in the elongation of the protein by 23 amino acids. This frameshift impacts the last five amino acids of the native protein. The exact functional effect of the altered amino acids is unknown. Based on the available evidence, the clinical significance of this variant remains unclear.

Labcorp Genetics (formerly Invitae), Labcorp
Classification: Uncertain significance. Last evaluated: 2019-11-11. Review status: criteria provided, single submitter. Criteria: Invitae Variant Classification Sherloc (09022015). Collection method: clinical testing. Allele origin: germline.
Comment: In summary, the available evidence is currently insufficient to determine the role of this variant in disease. Therefore, it has been classified as a Variant of Uncertain Significance. This variant has not been reported in the literature in individuals with CTNNA1-related conditions. This variant is not present in population databases (ExAC no frequency). This sequence change results in a frameshift in the CTNNA1 gene (p.Ala902Leufs*29). While this is not anticipated to result in nonsense mediated decay, it is expected to disrupt the last 5 amino acids of the CTNNA1 protein and extend the protein by an additional 23 amino acids. Experimental studies and prediction algorithms are not available or were not evaluated, and the functional significance of this variant is currently unknown.

NM_001903.5(CTNNA1):c.2704del (p.Ala902fs)

Gene: CTNNA1 (catenin alpha 1; plus strand). Cytogenetic location: 5q31.2.
Variant type: Deletion.
Coding change: c.2704del on transcript NM_001903.5 (MANE Select); coding-DNA position 2704, one base deleted (G; older notation c.2704delG).
Protein change: p.Ala902fs; shifts the reading frame from alanine 902.
Molecular consequence: frameshift variant. On other transcripts: 3 prime UTR variant (5).
Genome position (GRCh38, 1-based): chr5:138,934,072, G deleted. VCF-style (leftmost placement, unchanged base first): chr5-138934071-AG-A. GRCh37 (hg19) VCF-style: chr5-138269760-AG-A.
Other names: c.*249del (NM_001290307.3, NM_001324002.1, NM_001324003.1 and 2 more transcripts); c.2395del, p.Ala799fs (NM_001290309.3); c.2335del, p.Ala779fs (NM_001290310.3); c.1594del, p.Ala532fs (NM_001290312.1, NM_001323987.1, NM_001323988.1 and 12 more transcripts); c.2704del, p.Ala902fs (NM_001323982.2, NM_001323983.1, NM_001323984.2); c.2677del, p.Ala893fs (NM_001323985.2); c.2611del, p.Ala871fs (NM_001323986.2); c.1459del, p.Ala487fs (NM_001324001.1); and 4 more; short protein forms A532fs, A779fs, A902fs, A487fs, A501fs, A871fs, A893fs, A419fs.
Identifiers: ClinVar variation 970926 (VCV000970926.8), dbSNP rs1766025586, ClinGen allele CA1139659077.